The following is an entry in ClinVar:

NM_001807.6(CEL):c.709A>G (p.Ile237Val)

Gene: CEL (carboxyl ester lipase; plus strand). Cytogenetic location: 9q34.13.
Variant type: single nucleotide variant.
Coding change: c.709A>G on transcript NM_001807.6 (MANE Select); coding-DNA position 709, A replaced by G.
Protein change: p.Ile237Val; replaces isoleucine 237 with valine.
Molecular consequence: missense variant.
Genome position (GRCh38, 1-based): chr9:133,066,877, A>G. VCF-style: chr9-133066877-A-G. GRCh37 (hg19) VCF-style: chr9-135942264-A-G.
Other names: short protein forms I237V.
Identifiers: ClinVar variation 549533 (VCV000549533.3), dbSNP rs368907057, ClinGen allele CA5303116.

ClinVar aggregate classification (germline): Uncertain significance (1 of 4 stars; one submission).

Conditions:
Monogenic diabetes. Identifiers: Orphanet 183625, MedGen C3888631, MONDO:0015967.

Allele frequency attached by ClinVar (database versions not stated): gnomAD exomes below 0.00001 and 0.00002; ExAC 0.00002; TOPMed 0.00005; gnomAD 0.00007; ESP Exome Variant Server 0.00008; 1000 Genomes Project 30x 0.00016; 1000 Genomes Project 0.00020.
gnomAD v4.1: 17 of 1,613,176 alleles (0.0011%); highest among the groups gnomAD compares: African/African-American, 0.013%; no homozygotes.

Submission:

Personalized Diabetes Medicine Program, University of Maryland School of Medicine
Classification: Uncertain significance for Monogenic diabetes. Last evaluated: 2017-10-06. Review status: criteria provided, single submitter. Criteria: ACMG Guidelines, 2015. Collection method: research. Allele origin: unknown. Observed: 1 variant allele, 1 heterozygote. Study: Personalized Diabetes Medicine Program.
Comment: ACMG Criteria:PP3 (8 predictors), BP4 (2 predictors)